The following is an entry in ClinVar:

ClinVar aggregate classification (germline): Likely benign. Review status: criteria provided, single submitter (1 of 4 stars). 2 submissions from 2 submitters: Likely benign (1). 1 of the submissions does not count toward it. Last evaluated 2022-03-08.

Conditions:
NDUFS1-related disorder. Also called: NDUFS1-related condition.

Allele frequency attached by ClinVar (database versions not stated): gnomAD 0.00001; gnomAD exomes 0.00004; ExAC 0.00005.
gnomAD v4.1: 59 of 1,614,028 alleles (0.0037%); highest among the groups gnomAD compares: South Asian, 0.035%; no homozygotes.

Submissions (2):

Labcorp Genetics (formerly Invitae), Labcorp
Classification: Likely benign. Last evaluated: 2022-03-08. Review status: criteria provided, single submitter. Criteria: Invitae Variant Classification Sherloc (09022015). Collection method: clinical testing. Allele origin: germline.

PreventionGenetics, part of Exact Sciences
Classification: Likely benign for NDUFS1-related condition. Last evaluated: 2021-02-02. Review status: no assertion criteria provided. Collection method: clinical testing. Allele origin: germline. Not counted in ClinVar's aggregate classification.
Comment: This variant is classified as likely benign based on ACMG/AMP sequence variant interpretation guidelines (Richards et al. 2015 PMID: 25741868, with internal and published modifications).

NM_005006.7(NDUFS1):c.570A>G (p.Ala190=)

Gene: NDUFS1 (NADH:ubiquinone oxidoreductase core subunit S1; minus strand). Cytogenetic location: 2q33.3.
Variant type: single nucleotide variant.
Coding change: c.570A>G on transcript NM_005006.7 (MANE Select); coding-DNA position 570, A replaced by G.
Protein change: p.Ala190=; no amino-acid change (alanine 190 retained).
Molecular consequence: synonymous variant.
Genome position (GRCh38, 1-based): chr2:206,147,070, T>C on the plus strand (A>G on the coding strand, the complement: NDUFS1 is on the minus strand). VCF-style: chr2-206147070-T-C. GRCh37 (hg19) VCF-style: chr2-207011794-T-C.
Other names: c.462A>G, p.Ala154= (NM_001199981.2); c.237A>G, p.Ala79= (NM_001199982.2); c.399A>G, p.Ala133= (NM_001199983.2); c.612A>G, p.Ala204= (NM_001199984.2); c.570A>G (NM_005006.6).
Identifiers: ClinVar variation 2171376 (VCV002171376.6), dbSNP rs756957216, ClinGen allele CA2070719.